The following is an entry in ClinVar:

ClinVar aggregate classification (germline): Conflicting classifications of pathogenicity. Review status: criteria provided, conflicting classifications (1 of 4 stars). 5 submissions from 5 submitters: Uncertain significance (4); Likely benign (1). Last evaluated 2026-02-25.

Conditions:
Colorectal cancer, susceptibility to, 12 (CRCS12). Also called: COLORECTAL CANCER, SUSCEPTIBILITY TO, ON CHROMOSOME 12q24. Identifiers: Orphanet 220460, MedGen C3554460, MONDO:0014038, OMIM 615083.
Facial dysmorphism-immunodeficiency-livedo-short stature syndrome. Also called: FILS syndrome; Facial dysmorphism, immunodeficiency, livedo, and short stature. Identifiers: Orphanet 352712, MedGen C3554576, MONDO:0014058, OMIM 615139.
Intrauterine growth retardation, metaphyseal dysplasia, adrenal hypoplasia congenita, genital anomalies, and immunodeficiency. Also called: IMAGEI SYNDROME. Identifiers: MedGen C5193036, MONDO:0032684, OMIM 618336.
Hereditary cancer-predisposing syndrome. Also called: Neoplastic Syndromes, Hereditary; Hereditary neoplastic syndrome; Tumor predisposition; Hereditary Cancer Syndrome. Identifiers: Orphanet 140162, MedGen C0027672, MeSH D009386, MONDO:0015356.
Familial colorectal cancer type X. Identifiers: Orphanet 440437, MedGen C3896578, MONDO:0018604.
Polymerase proofreading-related adenomatous polyposis. Also called: Polymerase proofreading associated polyposis; Polymerase proofreading–associated polyposis (PPAP). Identifiers: Orphanet 447877, MedGen C5202613, MONDO:0018653.

Allele frequency attached by ClinVar (database versions not stated): gnomAD exomes 0.00001; TOPMed 0.00002.
gnomAD v4.1: 19 of 1,613,550 alleles (0.0012%); highest among the groups gnomAD compares: Admixed American, 0.0033%; no homozygotes.

Submissions (5):

Ambry Genetics
Classification: Likely benign for Hereditary cancer-predisposing syndrome. Last evaluated: 2026-02-25. Review status: criteria provided, single submitter. Criteria: Ambry Variant Classification Scheme 2023. Collection method: clinical testing. Allele origin: germline.

Labcorp Genetics (formerly Invitae), Labcorp
Classification: Uncertain significance. Last evaluated: 2025-06-29. Review status: criteria provided, single submitter. Criteria: Invitae Variant Classification Sherloc (09022015). Collection method: clinical testing. Allele origin: germline.
Comment: This sequence change replaces threonine, which is neutral and polar, with methionine, which is neutral and non-polar, at codon 1313 of the POLE protein (p.Thr1313Met). This variant is present in population databases (no rsID available, gnomAD 0.003%). This variant has not been reported in the literature in individuals affected with POLE-related conditions. ClinVar contains an entry for this variant (Variation ID: 582849). Invitae Evidence Modeling of protein sequence and biophysical properties (such as structural, functional, and spatial information, amino acid conservation, physicochemical variation, residue mobility, and thermodynamic stability) indicates that this missense variant is not expected to disrupt POLE protein function with a negative predictive value of 80%. In summary, the available evidence is currently insufficient to determine the role of this variant in disease. Therefore, it has been classified as a Variant of Uncertain Significance.

Fulgent Genetics
Classification: Uncertain significance for Colorectal cancer, susceptibility to, 12; Facial dysmorphism-immunodeficiency-livedo-short stature syndrome; Intrauterine growth retardation, metaphyseal dysplasia, adrenal hypoplasia congenita, genital anomalies, and immunodeficiency. Last evaluated: 2024-06-23. Review status: criteria provided, single submitter. Criteria: ACMG Guidelines, 2015. Collection method: clinical testing. Allele origin: germline.

GeneDx
Classification: Uncertain significance. Last evaluated: 2022-08-18. Review status: criteria provided, single submitter. Criteria: GeneDx Variant Classification Process June 2021. Collection method: clinical testing. Allele origin: germline. Affected: yes.
Comment: Not observed at significant frequency in large population cohorts (gnomAD); In silico analysis supports that this missense variant has a deleterious effect on protein structure/function; Has not been previously published as pathogenic or benign to our knowledge

Department of Pathology and Laboratory Medicine, Sinai Health System
Classification: Uncertain significance for Polymerase proofreading-related adenomatous polyposis; Familial colorectal cancer type X. Last evaluated: 2021-09-23. Review status: criteria provided, single submitter. Criteria: ACMG Guidelines, 2015. Collection method: clinical testing. Allele origin: germline. Affected: yes.

NM_006231.4(POLE):c.3938C>T (p.Thr1313Met)

Gene: POLE (DNA polymerase epsilon, catalytic subunit; minus strand). Cytogenetic location: 12q24.33.
Variant type: single nucleotide variant.
Coding change: c.3938C>T on transcript NM_006231.4 (MANE Select); coding-DNA position 3938, C replaced by T.
Protein change: p.Thr1313Met; replaces threonine 1313 with methionine.
Molecular consequence: missense variant.
Genome position (GRCh38, 1-based): chr12:132,649,373, G>A on the plus strand (C>T on the coding strand, the complement: POLE is on the minus strand). VCF-style: chr12-132649373-G-A. GRCh37 (hg19) VCF-style: chr12-133225959-G-A.
Other names: short protein forms T1313M.
Identifiers: ClinVar variation 582849 (VCV000582849.16), dbSNP rs949243552, ClinGen allele CA246310207.